The following is an entry in ClinVar:

ClinVar aggregate classification (germline): Uncertain significance (1 of 4 stars; one submission).

Submission:

Labcorp Genetics (formerly Invitae), Labcorp
Classification: Uncertain significance. Last evaluated: 2024-08-12. Review status: criteria provided, single submitter. Criteria: Invitae Variant Classification Sherloc (09022015). Collection method: clinical testing. Allele origin: germline.
Comment: This sequence change falls in intron 7 of the TONSL gene. It does not directly change the encoded amino acid sequence of the TONSL protein. Information on the frequency of this variant in the gnomAD database is not available, as this variant may be reported differently in the database. This variant has not been reported in the literature in individuals affected with TONSL-related conditions. Experimental studies and prediction algorithms are not available or were not evaluated, and the effect of this variant on mRNA splicing is currently unknown. In summary, the available evidence is currently insufficient to determine the role of this variant in disease. Therefore, it has been classified as a Variant of Uncertain Significance.

NM_013432.5(TONSL):c.865+15_865+16delinsCG

Gene: TONSL (tonsoku like, DNA repair protein; minus strand). Cytogenetic location: 8q24.3.
Variant type: Indel.
Coding change: c.865+15_865+16delinsCG on transcript NM_013432.5 (MANE Select); bases 15 to 16 of the intron after coding-DNA position 865, GC replaced by CG.
Molecular consequence: intron variant.
Genome position (GRCh38, 1-based): chr8:144,442,021-144,442,022, GC replaced by CG on the plus strand (GC replaced by CG on the coding strand, the reverse complement: TONSL is on the minus strand). VCF-style: chr8-144442021-GC-CG. GRCh37 (hg19) VCF-style: chr8-145667404-GC-CG.
Identifiers: ClinVar variation 3619305 (VCV003619305.2).